The following is an entry in ClinVar:

ClinVar aggregate classification (germline): Uncertain significance. Review status: criteria provided, multiple submitters, no conflicts (2 of 4 stars). 2 submissions from 2 submitters: Uncertain significance (2). Last evaluated 2026-06-02.

Conditions:
Hereditary cancer-predisposing syndrome. Also called: Tumor predisposition; Hereditary neoplastic syndrome; Neoplastic Syndromes, Hereditary; Hereditary Cancer Syndrome. Identifiers: Orphanet 140162, MedGen C0027672, MeSH D009386, MONDO:0015356.
Multiple endocrine neoplasia, type 1 (MEN1). Also called: MEA I; MEN I; WERMER SYNDROME; Endocrine adenomatosis multiple; MEN 1. Identifiers: Orphanet 652, MedGen C0025267, MeSH D018761, MONDO:0007540, OMIM 131100.

Submissions (2):

Ambry Genetics
Classification: Uncertain significance for Hereditary cancer-predisposing syndrome. Last evaluated: 2026-06-02. Review status: criteria provided, single submitter. Criteria: Ambry Variant Classification Scheme 2023. Collection method: clinical testing. Allele origin: germline.
Comment: The p.A467V variant (also known as c.1400C>T), located in coding exon 9 of the MEN1 gene, results from a C to T substitution at nucleotide position 1400. The alanine at codon 467 is replaced by valine, an amino acid with similar properties. This amino acid position is not well conserved in available vertebrate species. In addition, the in silico prediction for this alteration is inconclusive. Based on the available evidence, the clinical significance of this variant remains unclear.

Labcorp Genetics (formerly Invitae), Labcorp
Classification: Uncertain significance for Multiple endocrine neoplasia, type 1. Last evaluated: 2023-01-11. Review status: criteria provided, single submitter. Criteria: Invitae Variant Classification Sherloc (09022015). Collection method: clinical testing. Allele origin: germline.
Comment: In summary, the available evidence is currently insufficient to determine the role of this variant in disease. Therefore, it has been classified as a Variant of Uncertain Significance. Algorithms developed to predict the effect of missense changes on protein structure and function (SIFT, PolyPhen-2, Align-GVGD) all suggest that this variant is likely to be tolerated. This variant has not been reported in the literature in individuals affected with MEN1-related conditions. This variant is not present in population databases (gnomAD no frequency). This sequence change replaces alanine, which is neutral and non-polar, with valine, which is neutral and non-polar, at codon 467 of the MEN1 protein (p.Ala467Val).

NM_001370259.2(MEN1):c.1400C>T (p.Ala467Val)

Gene: MEN1 (menin 1; minus strand). Cytogenetic location: 11q13.1.
Variant type: single nucleotide variant.
Coding change: c.1400C>T on transcript NM_001370259.2 (MANE Select); coding-DNA position 1400, C replaced by T.
Protein change: p.Ala467Val; replaces alanine 467 with valine.
Molecular consequence: missense variant. On other transcripts: non-coding transcript variant (4).
Genome position (GRCh38, 1-based): chr11:64,804,767, G>A on the plus strand (C>T on the coding strand, the complement: MEN1 is on the minus strand). VCF-style: chr11-64804767-G-A. GRCh37 (hg19) VCF-style: chr11-64572239-G-A.
Other names: c.1295C>T, p.Ala432Val (NM_001370263.2, NM_001407148.1, NM_001407149.1 and 1 more transcripts); c.1526C>T, p.Ala509Val (NM_001407142.1, NM_001407143.1, NM_001407144.1 and 1 more transcripts); c.1415C>T, p.Ala472Val (NM_001407145.1, NM_130800.3, NM_130801.3 and 4 more transcripts); c.1400C>T, p.Ala467Val (NM_001407146.1, NM_001407147.1, NM_130799.3 and 2 more transcripts); c.1541C>T, p.Ala514Val (NM_001407150.1); c.1421C>T, p.Ala474Val (NM_001407151.1); c.1235C>T, p.Ala412Val (NM_001407152.1); short protein forms A467V, A472V, A514V, A412V, A509V, A432V, A474V.
Identifiers: ClinVar variation 2788793 (VCV002788793.4), dbSNP rs2136092064, ClinGen allele CA381179644.
Genomic context (GRCh38, chr11:64,804,767, plus strand): 5'-GACTCCCGCCGTGGGCCCCGCCGCCGGCCTTCCCGGGCTTCCTCGCCCCACGGCTCCTCG[G>A]CCTCGGCCGCCTCGGCCTCTCGGCTCACTATGCGCACCTTCTGCCGCACCTGGGCCAGTG-3'
Protein context (NP_001357188.2, residues 457-477): IVSREAEAAE[Ala467Val]EEPWGEEARE